The following is an entry in ClinVar:

NM_001267550.2(TTN):c.45738T>C (p.Ala15246=)

Gene: TTN (titin; minus strand). Cytogenetic location: 2q31.2.
Variant type: single nucleotide variant.
Coding change: c.45738T>C on transcript NM_001267550.2 (MANE Select); coding-DNA position 45738, T replaced by C.
Protein change: p.Ala15246=; no amino-acid change (alanine 15246 retained).
Molecular consequence: synonymous variant.
Genome position (GRCh38, 1-based): chr2:178,620,872, A>G on the plus strand (T>C on the coding strand, the complement: TTN is on the minus strand). VCF-style: chr2-178620872-A-G. GRCh37 (hg19) VCF-style: chr2-179485599-A-G.
Other names: p.A12678A:GCT>GCC; p.Ala12678=; c.40815T>C, p.Ala13605= (NM_001256850.1); c.18543T>C, p.Ala6181= (NM_003319.4); c.38034T>C, p.Ala12678= (NM_133378.4); c.18918T>C, p.Ala6306= (NM_133432.3); c.19119T>C, p.Ala6373= (NM_133437.4).
Identifiers: ClinVar variation 46993 (VCV000046993.36), dbSNP rs2303829, ClinGen allele CA283281.

ClinVar aggregate classification (germline): Benign/Likely benign. Review status: criteria provided, multiple submitters, no conflicts (2 of 4 stars). 24 submissions from 17 submitters: Benign (18); Likely benign (2). 4 of the submissions do not count toward it. Last evaluated 2026-02-04.

Conditions:
Cardiovascular phenotype. Identifiers: MedGen CN230736.
Dilated cardiomyopathy 1G (CMD1G). Identifiers: Orphanet 154, MedGen C1858763, MONDO:0011400, OMIM 604145.
Autosomal recessive limb-girdle muscular dystrophy type 2J (LGMDR10). Also called: MUSCULAR DYSTROPHY, LIMB-GIRDLE, AUTOSOMAL RECESSIVE 10; Limb-girdle muscular dystrophy, type 2J. Identifiers: Orphanet 140922, MedGen C1837342, MONDO:0012127, OMIM 608807.
Early-onset myopathy with fatal cardiomyopathy (CMYO5). Also called: CONGENITAL MYOPATHY 5 WITH CARDIOMYOPATHY; Salih Myopathy. Identifiers: Orphanet 289377, MedGen C2673677, MONDO:0012714, OMIM 611705. Disease mechanism: loss of function.
Myopathy, myofibrillar, 9, with early respiratory failure (MFM9). Also called: Myopathy, distal, with early respiratory failure, autosomal dominant; Hereditary myopathy with early respiratory failure; MYOPATHY, PROXIMAL, WITH EARLY RESPIRATORY MUSCLE INVOLVEMENT; EDSTROM MYOPATHY. Identifiers: Orphanet 178464, Orphanet 34521, MedGen C1863599, MONDO:0011362, OMIM 603689.
Tibial muscular dystrophy (TMD). Also called: Udd Distal Myopathy – Tibial Muscular Dystrophy; Tibial muscular dystrophy, tardive; UDD MYOPATHY. Identifiers: Orphanet 609, MedGen C1838244, MONDO:0010870, OMIM 600334.

Allele frequency attached by ClinVar (database versions not stated): ESP Exome Variant Server 0.01729; gnomAD 0.02187 and 0.02316; gnomAD exomes 0.03281 and 0.02603; 1000 Genomes Project 0.03634; TOPMed 0.02097; 1000 Genomes Project 30x 0.03420; ExAC 0.03334.
gnomAD v4.1: 41,570 of 1,612,574 alleles (2.6%); highest among the groups gnomAD compares: East Asian, 9.3%; 743 homozygotes.

Submissions (24):

Labcorp Genetics (formerly Invitae), Labcorp
Classification: Benign for Dilated cardiomyopathy 1G; Autosomal recessive limb-girdle muscular dystrophy type 2J. Last evaluated: 2026-02-04. Review status: criteria provided, single submitter. Criteria: Invitae Variant Classification Sherloc (09022015). Collection method: clinical testing. Allele origin: germline.

Molecular Diagnostic Laboratory for Inherited Cardiovascular Disease, Montreal Heart Institute
Classification: Benign. Last evaluated: 2025-04-09. Review status: criteria provided, single submitter. Criteria: ACMG Guidelines, 2015. Collection method: clinical testing. Allele origin: germline. Affected: no.

Genome-Nilou Lab
Classification: Benign for Autosomal recessive limb-girdle muscular dystrophy type 2J. Last evaluated: 2021-09-10. Review status: criteria provided, single submitter. Criteria: ACMG Guidelines, 2015. Collection method: clinical testing. Allele origin: germline. Affected: no.

Genome-Nilou Lab
Classification: Benign for Myopathy, myofibrillar, 9, with early respiratory failure. Last evaluated: 2021-09-10. Review status: criteria provided, single submitter. Criteria: ACMG Guidelines, 2015. Collection method: clinical testing. Allele origin: germline. Affected: no.

Genome-Nilou Lab
Classification: Benign for Early-onset myopathy with fatal cardiomyopathy. Last evaluated: 2021-09-10. Review status: criteria provided, single submitter. Criteria: ACMG Guidelines, 2015. Collection method: clinical testing. Allele origin: germline. Affected: no.

Genome-Nilou Lab
Classification: Benign for Tibial muscular dystrophy. Last evaluated: 2021-09-10. Review status: criteria provided, single submitter. Criteria: ACMG Guidelines, 2015. Collection method: clinical testing. Allele origin: germline. Affected: no.

Women's Health and Genetics/Laboratory Corporation of America, LabCorp
Classification: Benign. Last evaluated: 2020-01-06. Review status: criteria provided, single submitter. Criteria: LabCorp Variant Classification Summary - May 2015. Collection method: clinical testing. Allele origin: germline.

Athena Diagnostics
Classification: Benign. Last evaluated: 2018-12-18. Review status: criteria provided, single submitter. Criteria: Athena Diagnostics Criteria. Collection method: clinical testing. Allele origin: germline.

Illumina Laboratory Services, Illumina
Classification: Benign for Myopathy, myofibrillar, 9, with early respiratory failure. Last evaluated: 2018-01-13. Review status: criteria provided, single submitter. Criteria: ICSL Variant Classification Criteria 13 December 2019. Collection method: clinical testing. Allele origin: germline.
Comment: This variant was observed in the ICSL laboratory as part of a predisposition screen in an ostensibly healthy population. It had not been previously curated by ICSL or reported in the Human Gene Mutation Database (HGMD: prior to June 1st, 2018), and was therefore a candidate for classification through an automated scoring system. Utilizing variant allele frequency, disease prevalence and penetrance estimates, and inheritance mode, an automated score was calculated to assess if this variant is too frequent to cause the disease. Based on the score and internal cut-off values, a variant classified as benign is not then subjected to further curation. The score for this variant resulted in a classification of benign for this disease.

Illumina Laboratory Services, Illumina
Classification: Benign for Autosomal recessive limb-girdle muscular dystrophy type 2J. Last evaluated: 2018-01-13. Review status: criteria provided, single submitter. Criteria: ICSL Variant Classification Criteria 13 December 2019. Collection method: clinical testing. Allele origin: germline.
Comment: the same text as in the submission from Illumina Laboratory Services, Illumina above.

Illumina Laboratory Services, Illumina
Classification: Likely benign for Dilated cardiomyopathy 1G. Last evaluated: 2018-01-13. Review status: criteria provided, single submitter. Criteria: ICSL Variant Classification Criteria 13 December 2019. Collection method: clinical testing. Allele origin: germline.
Comment: This variant was observed in the ICSL laboratory as part of a predisposition screen in an ostensibly healthy population. It had not been previously curated by ICSL or reported in the Human Gene Mutation Database (HGMD: prior to June 1st, 2018), and was therefore a candidate for classification through an automated scoring system. Utilizing variant allele frequency, disease prevalence and penetrance estimates, and inheritance mode, an automated score was calculated to assess if this variant is too frequent to cause the disease. Based on the score and internal cut-off values, a variant classified as likely benign is not then subjected to further curation. The score for this variant resulted in a classification of likely benign for this disease.

Illumina Laboratory Services, Illumina
Classification: Benign for Tibial muscular dystrophy. Last evaluated: 2018-01-13. Review status: criteria provided, single submitter. Criteria: ICSL Variant Classification Criteria 13 December 2019. Collection method: clinical testing. Allele origin: germline.
Comment: the same text as in the submission from Illumina Laboratory Services, Illumina above.

Illumina Laboratory Services, Illumina
Classification: Benign for Early-onset myopathy with fatal cardiomyopathy. Last evaluated: 2018-01-13. Review status: criteria provided, single submitter. Criteria: ICSL Variant Classification Criteria 13 December 2019. Collection method: clinical testing. Allele origin: germline.
Comment: the same text as in the submission from Illumina Laboratory Services, Illumina above.

Mayo Clinic Laboratories, Mayo Clinic
Classification: Benign. Last evaluated: 2017-10-03. Review status: criteria provided, single submitter. Criteria: ACMG Guidelines, 2015. Collection method: clinical testing. Allele origin: germline. Observed: 109 variant alleles.

Genetic Services Laboratory, University of Chicago
Classification: Benign for AllHighlyPenetrant. Last evaluated: 2013-08-15. Review status: criteria provided, single submitter. Criteria: ACMG Guidelines, 2007. Collection method: clinical testing. Allele origin: germline.

GeneDx
Classification: Benign. Last evaluated: 2013-04-29. Review status: criteria provided, single submitter. Criteria: GeneDx Variant Classification (06012015). Collection method: clinical testing. Allele origin: germline. Affected: yes.
Comment: This variant is considered likely benign or benign based on one or more of the following criteria: it is a conservative change, it occurs at a poorly conserved position in the protein, it is predicted to be benign by multiple in silico algorithms, and/or has population frequency not consistent with disease.

Ambry Genetics
Classification: Benign for Cardiovascular phenotype. Last evaluated: 2013-02-04. Review status: criteria provided, single submitter. Criteria: Ambry Autosomal Dominant and X-Linked criteria (10/2015). Collection method: clinical testing. Allele origin: germline. Observed: 1 variant allele.

Laboratory for Molecular Medicine, Mass General Brigham Personalized Medicine
Classification: Benign. Last evaluated: 2012-04-19. Review status: criteria provided, single submitter. Criteria: LMM Criteria. Collection method: clinical testing. Allele origin: germline. Observed: 80 variant alleles.

Breakthrough Genomics
Classification: Likely benign. Review status: criteria provided, single submitter. Criteria: ACMG Guidelines, 2015. Collection method: not provided. Allele origin: germline. Inheritance: Autosomal recessive inheritance. Affected: yes.

PreventionGenetics, part of Exact Sciences
Classification: Benign. Review status: criteria provided, single submitter. Criteria: ACMG Guidelines, 2015. Collection method: clinical testing. Allele origin: germline.

Clinical Genetics DNA and cytogenetics Diagnostics Lab, Erasmus MC, Erasmus Medical Center
Classification: Benign. Review status: no assertion criteria provided. Collection method: clinical testing. Allele origin: germline. Affected: yes. Study: VKGL Data-share Consensus. Not counted in ClinVar's aggregate classification.

Clinical Genetics, Academic Medical Center
Classification: Benign. Review status: no assertion criteria provided. Collection method: clinical testing. Allele origin: germline. Affected: yes. Study: VKGL Data-share Consensus. Not counted in ClinVar's aggregate classification.

Genome Diagnostics Laboratory, University Medical Center Utrecht
Classification: Benign. Review status: no assertion criteria provided. Collection method: clinical testing. Allele origin: germline. Affected: yes. Study: VKGL Data-share Consensus. Not counted in ClinVar's aggregate classification.

Laboratory of Diagnostic Genome Analysis, Leiden University Medical Center (LUMC)
Classification: Likely benign. Review status: no assertion criteria provided. Collection method: clinical testing. Allele origin: germline. Affected: yes. Study: VKGL Data-share Consensus. Not counted in ClinVar's aggregate classification.